The following is an entry in ClinVar:

ClinVar aggregate classification (germline): Pathogenic. Review status: criteria provided, multiple submitters, no conflicts (2 of 4 stars). 2 submissions from 2 submitters: Pathogenic (2). Last evaluated 2026-03-01.

Submissions (2):

CeGaT Center for Human Genetics Tuebingen
Classification: Pathogenic. Last evaluated: 2026-03-01. Review status: criteria provided, single submitter. Criteria: CeGaT Center For Human Genetics Tuebingen Variant Classification Criteria Version 2. Collection method: clinical testing. Allele origin: germline. Affected: yes. Observed: 1 variant allele.
Comment: POMT2: PVS1, PM2

Eurofins Ntd Llc (ga)
Classification: Pathogenic. Last evaluated: 2016-02-10. Review status: criteria provided, single submitter. Criteria: EGL Classification Definitions 2015. Collection method: clinical testing. Allele origin: germline. Observed: 2 variant alleles, 2 heterozygotes.

NM_013382.7(POMT2):c.1045_1052delinsG (p.Arg349fs)

Gene: POMT2 (protein O-mannosyltransferase 2; minus strand). Cytogenetic location: 14q24.3.
Variant type: Indel.
Coding change: c.1045_1052delinsG on transcript NM_013382.7 (MANE Select); coding-DNA positions 1045 to 1052, CGGATGGC replaced by G.
Protein change: p.Arg349fs; shifts the reading frame from arginine 349.
Molecular consequence: frameshift variant.
Genome position (GRCh38, 1-based): chr14:77,296,228-77,296,235, GCCATCCG replaced by C on the plus strand (CGGATGGC replaced by G on the coding strand, the reverse complement: POMT2 is on the minus strand). VCF-style: chr14-77296228-GCCATCCG-C. GRCh37 (hg19) VCF-style: chr14-77762571-GCCATCCG-C.
Other names: short protein forms R349fs.
Identifiers: ClinVar variation 281068 (VCV000281068.9), dbSNP rs886042094, ClinGen allele CA10603802.